The following is an entry in ClinVar:

NM_172364.5(CACNA2D4):c.1485+5G>A

Gene: CACNA2D4 (calcium voltage-gated channel auxiliary subunit alpha2delta 4; minus strand). Cytogenetic location: 12p13.33.
Variant type: single nucleotide variant.
Coding change: c.1485+5G>A on transcript NM_172364.5 (MANE Select); 5 bases into the intron after coding-DNA position 1485, G replaced by A.
Molecular consequence: intron variant.
Genome position (GRCh38, 1-based): chr12:1,882,862, C>T on the plus strand (G>A on the coding strand, the complement: CACNA2D4 is on the minus strand). VCF-style: chr12-1882862-C-T. GRCh37 (hg19) VCF-style: chr12-1992028-C-T.
Identifiers: ClinVar variation 3688520 (VCV003688520.2).

ClinVar aggregate classification (germline): Uncertain significance (1 of 4 stars; one submission).

gnomAD v4.1: 2 of 1,613,610 alleles (0.00012%); highest among the groups gnomAD compares: South Asian, 0.0022%; no homozygotes.

Submission:

Labcorp Genetics (formerly Invitae), Labcorp
Classification: Uncertain significance. Last evaluated: 2024-08-01. Review status: criteria provided, single submitter. Criteria: Invitae Variant Classification Sherloc (09022015). Collection method: clinical testing. Allele origin: germline.
Comment: This sequence change falls in intron 13 of the CACNA2D4 gene. It does not directly change the encoded amino acid sequence of the CACNA2D4 protein. It affects a nucleotide within the consensus splice site. This variant is not present in population databases (gnomAD no frequency). This variant has not been reported in the literature in individuals affected with CACNA2D4-related conditions. Variants that disrupt the consensus splice site are a relatively common cause of aberrant splicing (PMID: 17576681, 9536098). Algorithms developed to predict the effect of sequence changes on RNA splicing suggest that this variant is not likely to affect RNA splicing. In summary, the available evidence is currently insufficient to determine the role of this variant in disease. Therefore, it has been classified as a Variant of Uncertain Significance.

Literature cited by the submitters: PubMed 17576681; PubMed 9536098.